The following is an entry in ClinVar:

ClinVar aggregate classification (germline): Likely benign. Review status: criteria provided, multiple submitters, no conflicts (2 of 4 stars). 3 submissions from 3 submitters: Likely benign (3). Last evaluated 2024-03-05.

Conditions:
Cardiomyopathy (CMYO). Also called: Cardiomyopathies. Identifiers: Orphanet 167848, MedGen C0878544, MONDO:0004994, HP:0001638. Inheritance: Various modes of inheritance.
Hypertrophic cardiomyopathy. Also called: HYPERTROPHIC MYOCARDIOPATHY. Identifiers: Orphanet 217569, MedGen C0007194, MeSH D002312, MONDO:0005045, HP:0001639.

Allele frequency attached by ClinVar (database versions not stated): ExAC 0.00001; TOPMed 0.00001.
gnomAD v4.1: 3 of 1,614,184 alleles (0.00019%); highest among the groups gnomAD compares: South Asian, 0.0011%; no homozygotes.

Submissions (3):

All of Us Research Program, National Institutes of Health
Classification: Likely benign for Cardiomyopathy. Last evaluated: 2024-03-05. Review status: criteria provided, single submitter. Criteria: ACMG Guidelines, 2015. Collection method: clinical testing. Allele origin: germline. Inheritance: Autosomal dominant inheritance. Observed: 1 variant allele, 1 heterozygote.
Comment: This study involves interpretation of variants in research participants for the purpose of population health screening. Participant phenotype was not available at the time of variant classification. Additional details can be found in publication PMID: 35346344, PMCID: PMC8962531

Labcorp Genetics (formerly Invitae), Labcorp
Classification: Likely benign for Hypertrophic cardiomyopathy. Last evaluated: 2023-08-23. Review status: criteria provided, single submitter. Criteria: Invitae Variant Classification Sherloc (09022015). Collection method: clinical testing. Allele origin: germline.

Color Diagnostics, LLC DBA Color Health
Classification: Likely benign for Cardiomyopathy. Last evaluated: 2020-08-24. Review status: criteria provided, single submitter. Criteria: ACMG Guidelines, 2015. Collection method: clinical testing. Allele origin: germline.

NM_000257.4(MYH7):c.1815C>T (p.Val605=)

Gene: MYH7 (myosin heavy chain 7; minus strand). Cytogenetic location: 14q11.2.
Variant type: single nucleotide variant.
Coding change: c.1815C>T on transcript NM_000257.4 (MANE Select); coding-DNA position 1815, C replaced by T.
Protein change: p.Val605=; no amino-acid change (valine 605 retained).
Molecular consequence: synonymous variant.
Genome position (GRCh38, 1-based): chr14:23,427,658, G>A on the plus strand (C>T on the coding strand, the complement: MYH7 is on the minus strand). VCF-style: chr14-23427658-G-A. GRCh37 (hg19) VCF-style: chr14-23896867-G-A.
Identifiers: ClinVar variation 1094503 (VCV001094503.12), dbSNP rs759226950, ClinGen allele CA029416.